The following is an entry in ClinVar:

ClinVar aggregate classification (germline): Likely benign (1 of 4 stars; one submission).

Allele frequency attached by ClinVar (database versions not stated): ExAC 0.00003; TOPMed 0.00005.

Submission:

CeGaT Center for Human Genetics Tuebingen
Classification: Likely benign. Last evaluated: 2022-03-01. Review status: criteria provided, single submitter. Criteria: CeGaT Center For Human Genetics Tuebingen Variant Classification Criteria Version 2. Collection method: clinical testing. Allele origin: germline. Affected: yes. Observed: 1 variant allele.
Comment: CLSPN: BP4, BP7

NM_022111.4(CLSPN):c.906G>A (p.Leu302=)

Gene: CLSPN (claspin; minus strand). Cytogenetic location: 1p34.3.
Variant type: single nucleotide variant.
Coding change: c.906G>A on transcript NM_022111.4 (MANE Select); coding-DNA position 906, G replaced by A.
Protein change: p.Leu302=; no amino-acid change (leucine 302 retained).
Molecular consequence: synonymous variant.
Genome position (GRCh38, 1-based): chr1:35,761,194, C>T on the plus strand (G>A on the coding strand, the complement: CLSPN is on the minus strand). VCF-style: chr1-35761194-C-T. GRCh37 (hg19) VCF-style: chr1-36226795-C-T.
Other names: c.906G>A, p.Leu302= (NM_001190481.2, NM_001330490.2).
Identifiers: ClinVar variation 2638657 (VCV002638657.24), dbSNP rs773360845, ClinGen allele CA762045.